The following is an entry in ClinVar:

NM_058216.3(RAD51C):c.1026+13T>C

Gene: RAD51C (RAD51 paralog C; plus strand). Cytogenetic location: 17q22.
Variant type: single nucleotide variant.
Coding change: c.1026+13T>C on transcript NM_058216.3 (MANE Select); 13 bases into the intron after coding-DNA position 1026, T replaced by C.
Molecular consequence: intron variant.
Genome position (GRCh38, 1-based): chr17:58,732,557, T>C. VCF-style: chr17-58732557-T-C. GRCh37 (hg19) VCF-style: chr17-56809918-T-C.
Other names: c.1026+13T>C (LRG_314t1).
Identifiers: ClinVar variation 383912 (VCV000383912.14), dbSNP rs531535812, ClinGen allele CA8677389.

ClinVar aggregate classification (germline): Benign/Likely benign. Review status: criteria provided, multiple submitters, no conflicts (2 of 4 stars). 6 submissions from 6 submitters: Benign (1); Likely benign (5). Last evaluated 2026-01-16.

Conditions:
Hereditary cancer-predisposing syndrome. Also called: Tumor predisposition; Neoplastic Syndromes, Hereditary; Hereditary neoplastic syndrome; Hereditary Cancer Syndrome. Identifiers: Orphanet 140162, MedGen C0027672, MeSH D009386, MONDO:0015356.
Fanconi anemia complementation group O. Also called: RAD51C-Related Fanconi Anemia. Identifiers: Orphanet 84, MedGen C3150653, MONDO:0013248, OMIM 613390.
Breast-ovarian cancer, familial, susceptibility to, 3. Also called: RAD51C-Related Breast/Ovarian Cancer. Identifiers: Orphanet 145, MedGen C3150659, MONDO:0013253, OMIM 613399.

Allele frequency attached by ClinVar (database versions not stated): 1000 Genomes Project 30x 0.00078; 1000 Genomes Project 0.00100; gnomAD below 0.00001 and 0.00007; TOPMed 0.00002; gnomAD exomes 0.00012 and 0.00030; ExAC 0.00032.
gnomAD v4.1: 176 of 1,606,574 alleles (0.011%); highest among the groups gnomAD compares: South Asian, 0.19%; 5 homozygotes.

Submissions (6):

Labcorp Genetics (formerly Invitae), Labcorp
Classification: Benign for Fanconi anemia complementation group O. Last evaluated: 2026-01-16. Review status: criteria provided, single submitter. Criteria: Invitae Variant Classification Sherloc (09022015). Collection method: clinical testing. Allele origin: germline.

Department of Pathology and Laboratory Medicine, Sinai Health System
Classification: Likely benign for Breast-ovarian cancer, familial, susceptibility to, 3. Last evaluated: 2024-08-21. Review status: criteria provided, single submitter. Criteria: ACMG Guidelines, 2015. Collection method: clinical testing. Allele origin: germline. Affected: yes.

Blueprint Genetics
Classification: Likely benign. Last evaluated: 2023-12-27. Review status: criteria provided, single submitter. Criteria: ACMG Guidelines, 2015. Collection method: clinical testing. Allele origin: germline.

Color Diagnostics, LLC DBA Color Health
Classification: Likely benign for Hereditary cancer-predisposing syndrome. Last evaluated: 2017-10-23. Review status: criteria provided, single submitter. Criteria: ACMG Guidelines, 2015. Collection method: clinical testing. Allele origin: germline.

GeneDx
Classification: Likely benign. Last evaluated: 2016-02-12. Review status: criteria provided, single submitter. Criteria: GeneDx Variant Classification (06012015). Collection method: clinical testing. Allele origin: germline. Affected: yes.
Comment: This variant is considered likely benign or benign based on one or more of the following criteria: it is a conservative change, it occurs at a poorly conserved position in the protein, it is predicted to be benign by multiple in silico algorithms, and/or has population frequency not consistent with disease.

Breakthrough Genomics
Classification: Likely benign. Review status: criteria provided, single submitter. Criteria: ACMG Guidelines, 2015. Collection method: not provided. Allele origin: germline. Inheritance: Autosomal recessive inheritance. Affected: yes.